The following is an entry in ClinVar:

ClinVar aggregate classification (germline): Uncertain significance. Review status: criteria provided, multiple submitters, no conflicts (2 of 4 stars). 3 submissions from 3 submitters: Uncertain significance (3). Last evaluated 2023-12-29.

Conditions:
Inborn genetic diseases. Identifiers: MedGen C0950123, MeSH D030342.

Allele frequency attached by ClinVar (database versions not stated): gnomAD exomes 0.00007 and 0.00008; gnomAD 0.00009; TOPMed 0.00010.
gnomAD v4.1: 128 of 1,551,814 alleles (0.0082%); highest among the groups gnomAD compares: Admixed American, 0.014%; no homozygotes.

Submissions (3):

GeneDx
Classification: Uncertain significance. Last evaluated: 2023-12-29. Review status: criteria provided, single submitter. Criteria: GeneDx Variant Classification Process June 2021. Collection method: clinical testing. Allele origin: germline. Affected: yes.
Comment: In silico analysis supports that this missense variant does not alter protein structure/function; Has not been previously published as pathogenic or benign to our knowledge

Labcorp Genetics (formerly Invitae), Labcorp
Classification: Uncertain significance. Last evaluated: 2022-09-06. Review status: criteria provided, single submitter. Criteria: Invitae Variant Classification Sherloc (09022015). Collection method: clinical testing. Allele origin: germline.
Comment: This sequence change replaces threonine, which is neutral and polar, with methionine, which is neutral and non-polar, at codon 1054 of the UNC80 protein (p.Thr1054Met). This variant is present in population databases (no rsID available, gnomAD 0.01%). This variant has not been reported in the literature in individuals affected with UNC80-related conditions. ClinVar contains an entry for this variant (Variation ID: 986100). Algorithms developed to predict the effect of missense changes on protein structure and function are either unavailable or do not agree on the potential impact of this missense change (SIFT: "Not Available"; PolyPhen-2: "Probably Damaging"; Align-GVGD: "Not Available"). In summary, the available evidence is currently insufficient to determine the role of this variant in disease. Therefore, it has been classified as a Variant of Uncertain Significance.

Ambry Genetics
Classification: Uncertain significance for Inborn genetic diseases. Last evaluated: 2018-06-26. Review status: criteria provided, single submitter. Criteria: Ambry exome assertion method (8-5-2015). Collection method: clinical testing. Allele origin: germline. Affected: yes. Observed: 1 variant allele.

NM_001371986.1(UNC80):c.3161C>T (p.Thr1054Met)

Gene: UNC80 (unc-80 homolog, NALCN channel complex subunit; plus strand). Cytogenetic location: 2q34.
Variant type: single nucleotide variant.
Coding change: c.3161C>T on transcript NM_001371986.1 (MANE Select); coding-DNA position 3161, C replaced by T.
Protein change: p.Thr1054Met; replaces threonine 1054 with methionine.
Molecular consequence: missense variant.
Genome position (GRCh38, 1-based): chr2:209,839,341, C>T. VCF-style: chr2-209839341-C-T. GRCh37 (hg19) VCF-style: chr2-210704065-C-T.
Other names: c.3161C>T, p.Thr1054Met (NM_032504.2); c.3146C>T, p.Thr1049Met (NM_182587.4); short protein forms T1049M, T1054M.
Identifiers: ClinVar variation 986100 (VCV000986100.9), dbSNP rs952981880, ClinGen allele CA64685140.